The following is an entry in ClinVar:

ClinVar aggregate classification (germline): Uncertain significance. Review status: criteria provided, single submitter (1 of 4 stars). 2 submissions from 2 submitters: Uncertain significance (1). 1 of the submissions does not count toward it. Last evaluated 2025-11-27.

Conditions:
KIDINS220-related disorder. Also called: KIDINS220-related condition.

gnomAD v4.1: 19 of 1,607,770 alleles (0.0012%); highest among the groups gnomAD compares: Non-Finnish European, 0.0014%; no homozygotes.

Submissions (2):

Labcorp Genetics (formerly Invitae), Labcorp
Classification: Uncertain significance. Last evaluated: 2025-11-27. Review status: criteria provided, single submitter. Criteria: Invitae Variant Classification Sherloc (09022015). Collection method: clinical testing. Allele origin: germline.
Comment: This sequence change replaces arginine, which is basic and polar, with cysteine, which is neutral and slightly polar, at codon 1289 of the KIDINS220 protein (p.Arg1289Cys). This variant is present in population databases (rs781331572, gnomAD 0.003%). This variant has not been reported in the literature in individuals affected with KIDINS220-related conditions. ClinVar contains an entry for this variant (Variation ID: 3355511). An algorithm developed to predict the effect of missense changes on protein structure and function (PolyPhen-2) suggests that this variant is likely to be tolerated. In summary, the available evidence is currently insufficient to determine the role of this variant in disease. Therefore, it has been classified as a Variant of Uncertain Significance.

PreventionGenetics, part of Exact Sciences
Classification: Uncertain significance for KIDINS220-related condition. Last evaluated: 2024-05-28. Review status: no assertion criteria provided. Collection method: clinical testing. Allele origin: germline. Not counted in ClinVar's aggregate classification.
Comment: The KIDINS220 c.3865C>T variant is predicted to result in the amino acid substitution p.Arg1289Cys. To our knowledge, this variant has not been reported in the literature. This variant is reported in 0.0033% of alleles in individuals of South Asian descent in gnomAD. At this time, the clinical significance of this variant is uncertain due to the absence of conclusive functional and genetic evidence.

NM_020738.4(KIDINS220):c.3865C>T (p.Arg1289Cys)

Gene: KIDINS220 (kinase D interacting substrate 220; minus strand). Cytogenetic location: 2p25.1.
Variant type: single nucleotide variant.
Coding change: c.3865C>T on transcript NM_020738.4 (MANE Select); coding-DNA position 3865, C replaced by T.
Protein change: p.Arg1289Cys; replaces arginine 1289 with cysteine.
Molecular consequence: missense variant. On other transcripts: non-coding transcript variant (2).
Genome position (GRCh38, 1-based): chr2:8,733,632, G>A on the plus strand (C>T on the coding strand, the complement: KIDINS220 is on the minus strand). VCF-style: chr2-8733632-G-A. GRCh37 (hg19) VCF-style: chr2-8873762-G-A.
Other names: c.3868C>T, p.Arg1290Cys (NM_001348729.2); c.3811C>T, p.Arg1271Cys (NM_001348731.2); c.3808C>T, p.Arg1270Cys (NM_001348732.2, NM_001348738.2); c.3697C>T, p.Arg1233Cys (NM_001348734.2, NM_001348739.2, NM_001348740.2); c.3694C>T, p.Arg1232Cys (NM_001348735.2, NM_001348741.2, NM_001348742.2 and 1 more transcripts); c.3568C>T, p.Arg1190Cys (NM_001348736.2); short protein forms R1190C, R1232C, R1233C, R1270C, R1271C, R1289C, R1290C.
Identifiers: ClinVar variation 3355511 (VCV003355511.3).
Genomic context (GRCh38, chr2:8,733,632, plus strand): 5'-AAGCGCGGCGAGCAGGCTCACCGTGCGGGGCTGGGCCACTGCTGCTCTCACTGAGGAAAC[G>A]TGGGTCTTCAGGGACCACGTGGCTTTCTGCGTTTCTCATTTCTAGTACCTTAACAGAAGA-3'
Protein context (NP_065789.1, residues 1279-1299): AESHVVPEDP[Arg1289Cys]FLSESSSGPA